The following is an entry in ClinVar:

ClinVar aggregate classification (germline): Uncertain significance (1 of 4 stars; one submission).

Conditions:
ZIC3-related disorder. Also called: ZIC3-Related Disorders; ZIC3-related condition.

gnomAD v4.1: 4 of 1,166,516 alleles (0.00034%); highest among the groups gnomAD compares: Admixed American, 0.01%; no homozygotes.

Submission:

PreventionGenetics, part of Exact Sciences
Classification: Uncertain significance for ZIC3-related condition. Last evaluated: 2026-08-24. Review status: criteria provided, single submitter. Criteria: ACMG Guidelines, 2015. Collection method: clinical testing. Allele origin: germline.
Comment: The ZIC3 c.239G>T variant is predicted to result in the amino acid substitution p.Gly80Val. This variant has been reported in an individual with left ventricular outflow tract abnormalities (Extended Data Table 4, Sierant et al. 2025. PubMed ID: 40127276). This variant is reported in 0.016% of alleles in individuals of Latino descent in gnomAD. At this time, the clinical significance of this variant is uncertain due to the absence of conclusive functional and genetic evidence.

NM_003413.4(ZIC3):c.239G>T (p.Gly80Val)

Gene: ZIC3 (Zic family zinc finger 3; plus strand). Cytogenetic location: Xq26.3.
Variant type: single nucleotide variant.
Coding change: c.239G>T on transcript NM_003413.4 (MANE Select); coding-DNA position 239, G replaced by T.
Protein change: p.Gly80Val; replaces glycine 80 with valine.
Molecular consequence: missense variant.
Genome position (GRCh38, 1-based): chrX:137,566,930, G>T. VCF-style: chrX-137566930-G-T. GRCh37 (hg19) VCF-style: chrX-136649089-G-T.
Other names: c.239G>T, p.Gly80Val (NM_001330661.1); short protein forms G80V.
Identifiers: ClinVar variation 4979991 (VCV004979991.1).
Genomic context (GRCh38, chrX:137,566,930, plus strand): 5'-CTGCCGCGGCGCACGATCTATCTTCAGGCCAGAGCTCGGCTTTCACGCCGCAGGGTTCGG[G>T]CTACGCCAACGCCCTGGGCCACCATCACCACCACCATCACCATCATCACCACACCAGCCA-3'
Protein context (NP_003404.1, residues 70-90): QSSAFTPQGS[Gly80Val]YANALGHHHH